The following is an entry in ClinVar:

ClinVar aggregate classification (germline): Likely pathogenic (1 of 4 stars; one submission).

Conditions:
Congenital bile acid synthesis defect 1 (CBAS1). Also called: 3-BETA-HYDROXY-DELTA-5-C27-STEROID OXIDOREDUCTASE DEFICIENCY. Identifiers: Orphanet 79301, MedGen C1843116, MONDO:0011906, OMIM 607765.

Allele frequency attached by ClinVar (database versions not stated): gnomAD exomes below 0.00001.

Submission:

Neuberg Centre For Genomic Medicine, NCGM
Classification: Likely pathogenic for Congenital bile acid synthesis defect 1. Review status: criteria provided, single submitter. Criteria: ACMG Guidelines, 2015. Collection method: clinical testing. Allele origin: germline. Inheritance: Autosomal recessive inheritance. Affected: yes.
Comment: The observed stop gained variant c.205C>T(p.Gln69Ter) in HSD3B7 gene has not been reported previously as a pathogenic variant nor as a benign variant, to our knowledge. The c.205C>T variant is absent in gnomAD Exomes.This variant is predicted to cause loss of normal protein function through protein truncation. Loss of function variants have been previously reported to be disease causing (Cheng JB, et al., 2003). For these reasons, this variant has been classified as Likely Pathogenic.

NM_025193.4(HSD3B7):c.205C>T (p.Gln69Ter)

Gene: HSD3B7 (hydroxy-delta-5-steroid dehydrogenase, 3 beta- and steroid delta-isomerase 7; plus strand). Cytogenetic location: 16p11.2.
Variant type: single nucleotide variant.
Coding change: c.205C>T on transcript NM_025193.4 (MANE Select); coding-DNA position 205, C replaced by T.
Protein change: p.Gln69Ter; replaces glutamine 69 with a stop codon.
Molecular consequence: nonsense.
Genome position (GRCh38, 1-based): chr16:30,986,087, C>T. VCF-style: chr16-30986087-C-T. GRCh37 (hg19) VCF-style: chr16-30997408-C-T.
Other names: c.205C>T, p.Gln69Ter (NM_001142777.2, NM_001142778.2); short protein forms Q69*.
Identifiers: ClinVar variation 2585402 (VCV002585402.2), dbSNP rs2056470234, ClinGen allele CA395639403.